The following is an entry in ClinVar:

ClinVar aggregate classification (germline): Uncertain significance (1 of 4 stars; one submission).

Submission:

Labcorp Genetics (formerly Invitae), Labcorp
Classification: Uncertain significance. Last evaluated: 2025-03-31. Review status: criteria provided, single submitter. Criteria: Invitae Variant Classification Sherloc (09022015). Collection method: clinical testing. Allele origin: germline.
Comment: This variant occurs in a non-coding region of the GH1 gene. It does not change the encoded amino acid sequence of the GH1 protein. This variant is present in population databases (rs41295015, gnomAD 0.02%). This variant has been observed in individual(s) with growth hormone deficiency (PMID: 27252485). Studies have shown that this variant alters GH1 gene expression (PMID: 27252485). In summary, the available evidence is currently insufficient to determine the role of this variant in disease. Therefore, it has been classified as a Variant of Uncertain Significance.

Literature cited by the submitters: PubMed 27252485.

NC_000017.11:g.63918999G>A

Genes: GH-LCR (growth hormone locus control region; plus strand), GH1 (growth hormone 1; minus strand). Cytogenetic location: 17q23.3.
Variant type: single nucleotide variant.
Genome position: GRCh38 VCF-style: chr17-63918999-G-A. GRCh37 (hg19) VCF-style: chr17-61996359-G-A.
Identifiers: ClinVar variation 2138095 (VCV002138095.5), dbSNP rs41295015, ClinGen allele CA292967557.